The following is an entry in ClinVar:

NM_014112.5(TRPS1):c.3188G>A (p.Gly1063Glu)

Gene: TRPS1 (transcriptional repressor GATA binding 1; minus strand). Cytogenetic location: 8q23.3.
Variant type: single nucleotide variant.
Coding change: c.3188G>A on transcript NM_014112.5 (MANE Select); coding-DNA position 3188, G replaced by A.
Protein change: p.Gly1063Glu; replaces glycine 1063 with glutamic acid.
Molecular consequence: missense variant.
Genome position (GRCh38, 1-based): chr8:115,414,720, C>T on the plus strand (G>A on the coding strand, the complement: TRPS1 is on the minus strand). VCF-style: chr8-115414720-C-T. GRCh37 (hg19) VCF-style: chr8-116426948-C-T.
Other names: c.3188G>A (NM_014112.2); c.3161G>A, p.Gly1054Glu (NM_001282902.3); c.3167G>A, p.Gly1056Glu (NM_001282903.3); c.3149G>A, p.Gly1050Glu (NM_001330599.2); short protein forms G1050E, G1054E, G1056E, G1063E.
Identifiers: ClinVar variation 3758280 (VCV003758280.3).

ClinVar aggregate classification (germline): Uncertain significance. Review status: criteria provided, multiple submitters, no conflicts (2 of 4 stars). 2 submissions from 2 submitters: Uncertain significance (2). Last evaluated 2026-01-14.

Conditions:
Inborn genetic diseases. Identifiers: MedGen C0950123, MeSH D030342.
Trichorhinophalangeal dysplasia type I (TRPS1). Also called: TRICHORHINOPHALANGEAL SYNDROME, TYPE I; TRPS I. Identifiers: Orphanet 77258, MedGen C0432233, MONDO:0008596, OMIM 190350.
Trichorhinophalangeal syndrome, type III (TRPS3). Also called: SUGIO-KAJII SYNDROME. Identifiers: Orphanet 77258, MedGen C1860823, OMIM 190351, MONDO:0008597.

gnomAD v4.1: 3 of 1,614,066 alleles (0.00019%); highest among the groups gnomAD compares: Non-Finnish European, 0.00025%; no homozygotes.

Submissions (2):

Ambry Genetics
Classification: Uncertain significance for Inborn genetic diseases. Last evaluated: 2026-01-14. Review status: criteria provided, single submitter. Criteria: Ambry Variant Classification Scheme 2023. Collection method: clinical testing. Allele origin: germline.
Comment: The c.3188G>A (p.G1063E) alteration is located in exon 7 (coding exon 6) of the TRPS1 gene. This alteration results from a G to A substitution at nucleotide position 3188, causing the glycine (G) at amino acid position 1063 to be replaced by a glutamic acid (E). Based on data from gnomAD, the A allele has an overall frequency of <0.001% (1/249222) total alleles studied. The highest observed frequency was 0.001% (1/112974) of European (non-Finnish) alleles. Based on insufficient or conflicting evidence, the clinical significance of this alteration remains unclear.

Labcorp Genetics (formerly Invitae), Labcorp
Classification: Uncertain significance for Trichorhinophalangeal syndrome, type III; Trichorhinophalangeal dysplasia type I. Last evaluated: 2024-03-05. Review status: criteria provided, single submitter. Criteria: Invitae Variant Classification Sherloc (09022015). Collection method: clinical testing. Allele origin: germline.
Comment: This sequence change replaces glycine, which is neutral and non-polar, with glutamic acid, which is acidic and polar, at codon 1063 of the TRPS1 protein (p.Gly1063Glu). This variant is present in population databases (rs776955806, gnomAD 0.0009%). This variant has not been reported in the literature in individuals affected with TRPS1-related conditions. Advanced modeling of protein sequence and biophysical properties (such as structural, functional, and spatial information, amino acid conservation, physicochemical variation, residue mobility, and thermodynamic stability) has been performed at Invitae for this missense variant, however the output from this modeling did not meet the statistical confidence thresholds required to predict the impact of this variant on TRPS1 protein function. In summary, the available evidence is currently insufficient to determine the role of this variant in disease. Therefore, it has been classified as a Variant of Uncertain Significance.